The following is an entry in ClinVar:

ClinVar aggregate classification (germline): Uncertain significance (1 of 4 stars; one submission).

Submission:

Labcorp Genetics (formerly Invitae), Labcorp
Classification: Uncertain significance. Last evaluated: 2021-12-29. Review status: criteria provided, single submitter. Criteria: Invitae Variant Classification Sherloc (09022015). Collection method: clinical testing. Allele origin: germline.
Comment: In summary, the available evidence is currently insufficient to determine the role of this variant in disease. Therefore, it has been classified as a Variant of Uncertain Significance. This sequence change replaces glutamine, which is neutral and polar, with histidine, which is basic and polar, at codon 750 of the COL9A1 protein (p.Gln750His). This variant is not present in population databases (gnomAD no frequency). This variant has not been reported in the literature in individuals affected with COL9A1-related conditions. Advanced modeling of protein sequence and biophysical properties (such as structural, functional, and spatial information, amino acid conservation, physicochemical variation, residue mobility, and thermodynamic stability) performed at Invitae indicates that this missense variant is not expected to disrupt COL9A1 protein function.

NM_001851.6(COL9A1):c.2250G>T (p.Gln750His)

Gene: COL9A1 (collagen type IX alpha 1 chain; minus strand). Cytogenetic location: 6q13.
Variant type: single nucleotide variant.
Coding change: c.2250G>T on transcript NM_001851.6 (MANE Select); coding-DNA position 2250, G replaced by T.
Protein change: p.Gln750His; replaces glutamine 750 with histidine.
Molecular consequence: missense variant. On other transcripts: non-coding transcript variant (1), intron variant (1).
Genome position (GRCh38, 1-based): chr6:70,234,803, C>A on the plus strand (G>T on the coding strand, the complement: COL9A1 is on the minus strand). VCF-style: chr6-70234803-C-A. GRCh37 (hg19) VCF-style: chr6-70944506-C-A.
Other names: c.1551G>T, p.Gln517His (NM_001377289.1); c.1521G>T, p.Gln507His (NM_078485.4); c.1384-210G>T (NM_001377290.1); short protein forms Q517H, Q750H, Q507H.
Identifiers: ClinVar variation 2056767 (VCV002056767.3), dbSNP rs2483193056, ClinGen allele CA364673011.